The following is an entry in ClinVar:

NM_020461.4(TUBGCP6):c.2407C>T (p.Gln803Ter)

Gene: TUBGCP6 (tubulin gamma complex component 6; minus strand). Cytogenetic location: 22q13.33.
Variant type: single nucleotide variant.
Coding change: c.2407C>T on transcript NM_020461.4 (MANE Select); coding-DNA position 2407, C replaced by T.
Protein change: p.Gln803Ter; replaces glutamine 803 with a stop codon.
Molecular consequence: nonsense.
Genome position (GRCh38, 1-based): chr22:50,222,456, G>A on the plus strand (C>T on the coding strand, the complement: TUBGCP6 is on the minus strand). VCF-style: chr22-50222456-G-A. GRCh37 (hg19) VCF-style: chr22-50660885-G-A.
Other names: short protein forms Q803*.
Identifiers: ClinVar variation 4997122 (VCV004997122.1).

ClinVar aggregate classification (germline): Likely pathogenic (1 of 4 stars; one submission).

Conditions:
TUBGCP6-related disorder. Also called: TUBGCP6-related condition.

gnomAD v4.1: 5 of 1,613,674 alleles (0.00031%); highest among the groups gnomAD compares: South Asian, 0.0044%; no homozygotes.

Submission:

PreventionGenetics, part of Exact Sciences
Classification: Likely pathogenic for TUBGCP6-related condition. Last evaluated: 2025-04-07. Review status: criteria provided, single submitter. Criteria: ACMG Guidelines, 2015. Collection method: clinical testing. Allele origin: germline.
Comment: The TUBGCP6 c.2407C>T variant is predicted to result in premature protein termination (p.Gln803*). To our knowledge, this variant has not been reported in an individual presenting with a TUBGCP6-related disorder. This variant is reported in 0.0033% of alleles in individuals of South Asian descent in gnomAD. Nonsense variants in TUBGCP6 are expected to be pathogenic. This variant is interpreted as likely pathogenic.